The following is an entry in ClinVar:

ClinVar aggregate classification (germline): Pathogenic (1 of 4 stars; one submission).

Allele frequency attached by ClinVar (database versions not stated): ExAC 0.00001; gnomAD 0.00001; gnomAD exomes 0.00002; TOPMed 0.00002.
gnomAD v4.1: 34 of 1,614,026 alleles (0.0021%); highest among the groups gnomAD compares: Non-Finnish European, 0.0026%; no homozygotes.

Submission:

Labcorp Genetics (formerly Invitae), Labcorp
Classification: Pathogenic. Last evaluated: 2025-08-25. Review status: criteria provided, single submitter. Criteria: Invitae Variant Classification Sherloc (09022015). Collection method: clinical testing. Allele origin: germline.
Comment: This sequence change creates a premature translational stop signal (p.Arg584*) in the EPB42 gene. It is expected to result in an absent or disrupted protein product. Loss-of-function variants in EPB42 are known to be pathogenic (PMID: 7819064, 10629586, 20179084). This variant is present in population databases (rs765829996, gnomAD 0.004%). This variant has not been reported in the literature in individuals affected with EPB42-related conditions. ClinVar contains an entry for this variant (Variation ID: 1912307). For these reasons, this variant has been classified as Pathogenic.

Literature cited by the submitters: PubMed 7819064; PubMed 10629586; PubMed 20179084.

NM_001114134.2(EPB42):c.1660C>T (p.Arg554Ter)

Gene: EPB42 (erythrocyte membrane protein band 4.2; minus strand). Cytogenetic location: 15q15.2.
Variant type: single nucleotide variant.
Coding change: c.1660C>T on transcript NM_001114134.2 (MANE Select); coding-DNA position 1660, C replaced by T.
Protein change: p.Arg554Ter; replaces arginine 554 with a stop codon.
Molecular consequence: nonsense.
Genome position (GRCh38, 1-based): chr15:43,203,234, G>A on the plus strand (C>T on the coding strand, the complement: EPB42 is on the minus strand). VCF-style: chr15-43203234-G-A. GRCh37 (hg19) VCF-style: chr15-43495432-G-A.
Other names: c.1750C>T, p.Arg584Ter (NM_000119.3); short protein forms R554*, R584*.
Identifiers: ClinVar variation 1912307 (VCV001912307.5), dbSNP rs765829996, ClinGen allele CA7520251.
Genomic context (GRCh38, chr15:43,203,234, plus strand): 5'-TGGATTCAGAGTGTGTTGCCATGGCGGTGAGTCTAAGGAAGGTGTTCTCGGGTGGGTTTC[G>A]CTCAAAATTGGAGAAGAACAGGCCGATGGTTATTATCTTTTCTGAAACACATGACAGGTG-3'